The following is an entry in ClinVar:

ClinVar aggregate classification (germline): Pathogenic/Likely pathogenic. Review status: criteria provided, multiple submitters, no conflicts (2 of 4 stars). 2 submissions from 2 submitters: Pathogenic (1); Likely pathogenic (1). Last evaluated 2025-06-23.

Conditions:
Alstrom syndrome (ALMS). Identifiers: Orphanet 64, MedGen C0268425, MONDO:0008763, OMIM 203800.

Allele frequency attached by ClinVar (database versions not stated): TOPMed below 0.00001.
gnomAD v4.1: 8 of 1,614,218 alleles (0.0005%); highest among the groups gnomAD compares: Non-Finnish European, 0.00068%; no homozygotes.

Submissions (2):

Natera, Inc.
Classification: Likely pathogenic for Alstrom syndrome. Last evaluated: 2025-06-23. Review status: criteria provided, single submitter. Criteria: Natera Variant Classification Schema (03/2026). Collection method: clinical testing. Allele origin: germline.
Comment: The c.12220C>T variant in ALMS1 is a nonsense variant predicted to introduce a stop codon at amino acid 4074. This variant is expected to result in nonsense mediated decay, truncation, or a dysfunctional protein product. This variant is rare in the general population with a frequency below the threshold expected for the associated phenotype(s). Given the available evidence, this variant is classified as Likely Pathogenic.

Labcorp Genetics (formerly Invitae), Labcorp
Classification: Pathogenic for Alstrom syndrome. Last evaluated: 2023-10-15. Review status: criteria provided, single submitter. Criteria: Invitae Variant Classification Sherloc (09022015). Collection method: clinical testing. Allele origin: germline.
Comment: This sequence change creates a premature translational stop signal (p.Gln4074*) in the ALMS1 gene. It is expected to result in an absent or disrupted protein product. Loss-of-function variants in ALMS1 are known to be pathogenic (PMID: 17594715). This variant is not present in population databases (gnomAD no frequency). This variant has not been reported in the literature in individuals affected with ALMS1-related conditions. For these reasons, this variant has been classified as Pathogenic.

Literature cited by the submitters: PubMed 17594715 (cited by Labcorp Genetics (formerly Invitae), Labcorp).

NM_001378454.1(ALMS1):c.12217C>T (p.Gln4073Ter)

Genes: ALMS1 (ALMS1 centrosome and basal body associated protein; plus strand), LOC126806252 (BRD4-independent group 4 enhancer GRCh37_chr2:73828496-73829695; plus strand). Cytogenetic location: 2p13.1.
Variant type: single nucleotide variant.
Coding change: c.12217C>T on transcript NM_001378454.1 (MANE Select); coding-DNA position 12217, C replaced by T.
Protein change: p.Gln4073Ter; replaces glutamine 4073 with a stop codon.
Molecular consequence: nonsense.
Genome position (GRCh38, 1-based): chr2:73,602,287, C>T. VCF-style: chr2-73602287-C-T. GRCh37 (hg19) VCF-style: chr2-73829414-C-T.
Other names: c.12220C>T, p.Gln4074Ter (NM_015120.4); short protein forms Q4074*, Q4073*.
Identifiers: ClinVar variation 3018074 (VCV003018074.4), dbSNP rs774835325, ClinGen allele CA347268201.